The following is an entry in ClinVar:

NM_004082.5(DCTN1):c.2016-3T>C

Gene: DCTN1 (dynactin subunit 1; minus strand). Cytogenetic location: 2p13.1.
Variant type: single nucleotide variant.
Coding change: c.2016-3T>C on transcript NM_004082.5 (MANE Select); 3 bases into the intron before coding-DNA position 2016, T replaced by C.
Molecular consequence: intron variant.
Genome position (GRCh38, 1-based): chr2:74,367,867, A>G on the plus strand (T>C on the coding strand, the complement: DCTN1 is on the minus strand). VCF-style: chr2-74367867-A-G. GRCh37 (hg19) VCF-style: chr2-74594994-A-G.
Other names: c.1905-3T>C (NM_001190836.2); c.1947-3T>C (NM_001378992.1); c.1965-3T>C (NM_001378991.1); c.1956-3T>C (NM_001135040.3); c.1995-3T>C (NM_001190837.2); c.1614-3T>C (NM_001135041.3, NM_023019.4).
Identifiers: ClinVar variation 2930141 (VCV002930141.3), dbSNP rs753342942, ClinGen allele CA1721969.

ClinVar aggregate classification (germline): Uncertain significance (1 of 4 stars; one submission).

Conditions:
Amyotrophic lateral sclerosis type 1 (ALS1). Also called: AMYOTROPHIC LATERAL SCLEROSIS 1, FAMILIAL. Identifiers: Orphanet 803, MedGen C1862939, MONDO:0007103, OMIM 105400.
Neuronopathy, distal hereditary motor, type 7B. Also called: NEURONOPATHY, DISTAL HEREDITARY MOTOR, AUTOSOMAL DOMINANT 14; NEURONOPATHY, DISTAL HEREDITARY MOTOR, HARDING TYPE VIIB; NEUROPATHY, DISTAL HEREDITARY MOTOR, HARDING TYPE VIIB; NEUROPATHY, DISTAL HEREDITARY MOTOR, WITH VOCAL CORD PARALYSIS, HARDING TYPE VIIB; Distal Hereditary Motor Neuronopathy Type 7B (dHMN7B); HMN VIIB. Identifiers: Orphanet 139589, MedGen C1843315, MONDO:0011879, OMIM 607641.
Perry syndrome. Also called: PARKINSONISM WITH ALVEOLAR HYPOVENTILATION AND MENTAL DEPRESSION. Identifiers: Orphanet 178509, MedGen C1868594, MONDO:0008201, OMIM 168605.

Allele frequency attached by ClinVar (database versions not stated): gnomAD exomes below 0.00001; ExAC 0.00001.
gnomAD v4.1: 1 of 1,614,230 alleles (0.000062%); highest among the groups gnomAD compares: Admixed American, 0.0017%; no homozygotes.

Submission:

Labcorp Genetics (formerly Invitae), Labcorp
Classification: Uncertain significance for Amyotrophic lateral sclerosis type 1; Neuronopathy, distal hereditary motor, type 7B; Perry syndrome. Last evaluated: 2023-03-09. Review status: criteria provided, single submitter. Criteria: Invitae Variant Classification Sherloc (09022015). Collection method: clinical testing. Allele origin: germline.
Comment: This sequence change falls in intron 17 of the DCTN1 gene. It does not directly change the encoded amino acid sequence of the DCTN1 protein. It affects a nucleotide within the consensus splice site. This variant is present in population databases (rs753342942, gnomAD 0.003%). This variant has not been reported in the literature in individuals affected with DCTN1-related conditions. Variants that disrupt the consensus splice site are a relatively common cause of aberrant splicing (PMID: 17576681, 9536098). Algorithms developed to predict the effect of sequence changes on RNA splicing suggest that this variant is not likely to affect RNA splicing. In summary, the available evidence is currently insufficient to determine the role of this variant in disease. Therefore, it has been classified as a Variant of Uncertain Significance.

Literature cited by the submitters: PubMed 17576681; PubMed 9536098.